The following is an entry in ClinVar:

ClinVar aggregate classification (germline): Uncertain significance (1 of 4 stars; one submission).

Conditions:
Cardiovascular phenotype. Identifiers: MedGen CN230736.

Allele frequency attached by ClinVar (database versions not stated): gnomAD 0.00001.

Submission:

Ambry Genetics
Classification: Uncertain significance for Cardiovascular phenotype. Last evaluated: 2023-10-11. Review status: criteria provided, single submitter. Criteria: Ambry Variant Classification Scheme 2023. Collection method: clinical testing. Allele origin: germline.
Comment: The p.S261L variant (also known as c.782C>T), located in coding exon 4 of the KCNH2 gene, results from a C to T substitution at nucleotide position 782. The serine at codon 261 is replaced by leucine, an amino acid with dissimilar properties. This amino acid position is well conserved in available vertebrate species. In addition, the in silico prediction for this alteration is inconclusive. Since supporting evidence is limited at this time, the clinical significance of this alteration remains unclear.

NM_000238.4(KCNH2):c.782C>T (p.Ser261Leu)

Gene: KCNH2 (potassium voltage-gated channel subfamily H member 2; minus strand). Cytogenetic location: 7q36.1.
Variant type: single nucleotide variant.
Coding change: c.782C>T on transcript NM_000238.4 (MANE Select); coding-DNA position 782, C replaced by T.
Protein change: p.Ser261Leu; replaces serine 261 with leucine.
Molecular consequence: missense variant. On other transcripts: non-coding transcript variant (1).
Genome position (GRCh38, 1-based): chr7:150,958,193, G>A on the plus strand (C>T on the coding strand, the complement: KCNH2 is on the minus strand). VCF-style: chr7-150958193-G-A. GRCh37 (hg19) VCF-style: chr7-150655281-G-A.
Other names: c.494C>T, p.Ser165Leu (NM_001406753.1, NM_001406756.1); c.605C>T, p.Ser202Leu (NM_001406755.1); c.482C>T, p.Ser161Leu (NM_001406757.1); c.782C>T, p.Ser261Leu (NM_172056.3); short protein forms S161L, S165L, S202L, S261L.
Identifiers: ClinVar variation 3230734 (VCV003230734.1), dbSNP rs1801444352, ClinGen allele CA369862507.
Genomic context (GRCh38, chr7:150,958,193, plus strand): 5'-CGGCGCACGCTGGCGCAGCTTTCTCGGGAGCGCGTCCGGGCCAGGCTGCAGCTGGAGCCC[G>A]AGGCGTCGGGGTTGAGGCTGTGCGCCCGGGGCGATGGGAGCTGGCCGGGCGCGCTGCGGG-3'
Protein context (NP_000229.1, residues 251-271): PRAHSLNPDA[Ser261Leu]GSSCSLARTR